The following is an entry in ClinVar:

NM_017636.4(TRPM4):c.755G>C (p.Arg252Pro)

Gene: TRPM4 (transient receptor potential cation channel subfamily M member 4; plus strand). Cytogenetic location: 19q13.33.
Variant type: single nucleotide variant.
Coding change: c.755G>C on transcript NM_017636.4 (MANE Select); coding-DNA position 755, G replaced by C.
Protein change: p.Arg252Pro; replaces arginine 252 with proline.
Molecular consequence: missense variant. On other transcripts: 5 prime UTR variant (2).
Genome position (GRCh38, 1-based): chr19:49,168,695, G>C. VCF-style: chr19-49168695-G-C. GRCh37 (hg19) VCF-style: chr19-49671952-G-C.
Other names: c.755G>C, p.Arg252Pro (NM_001195227.2); c.410G>C, p.Arg137Pro (NM_001321281.2); c.-799G>C (NM_001321282.2); c.233G>C, p.Arg78Pro (NM_001321283.2); c.-95G>C (NM_001321285.2); short protein forms R137P, R252P, R78P.
Identifiers: ClinVar variation 3731515 (VCV003731515.1).

ClinVar aggregate classification (germline): Uncertain significance (1 of 4 stars; one submission).

Conditions:
Progressive familial heart block type IB (PFHB1B). Identifiers: Orphanet 871, MedGen C1970298, MONDO:0011474, OMIM 604559.

gnomAD v4.1: 1 of 1,608,494 alleles (0.000062%); highest among the groups gnomAD compares: Non-Finnish European, 0.000085%; no homozygotes.

Submission:

Neuberg Centre For Genomic Medicine, NCGM
Classification: Uncertain significance for Progressive familial heart block type IB. Last evaluated: 2023-06-22. Review status: criteria provided, single submitter. Criteria: ACMG Guidelines, 2015. Collection method: clinical testing. Allele origin: germline. Inheritance: Autosomal dominant inheritance. Affected: yes.
Comment: The missense c.755G>C(p.Arg252Pro) variant in TRPM4 gene has not been reported previously as a pathogenic variant nor as a benign variant, to our knowledge. The p.Arg252Pro variant is absent in gnomAD Exomes. This variant has not been submitted to the ClinVar database. Multiple lines of computational evidence (Polyphen - Probably Damaging, SIFT - Damaging and MutationTaster - Disease causing) predict damaging effect on protein structure and function for this variant. The reference amino acid at this position in TRPM4 is predicted as conserved by GERP++ and PhyloP across 100 vertebrates. The amino acid Arg at position 252 is changed to a Pro changing protein sequence and it might alter its composition and physico-chemical properties. For these reasons, this variant has been classified as Variant of Uncertain Significance (VUS).